The following is an entry in ClinVar:

NM_006922.4(SCN3A):c.680T>A (p.Ile227Asn)

Gene: SCN3A (sodium voltage-gated channel alpha subunit 3; minus strand). Cytogenetic location: 2q24.3.
Variant type: single nucleotide variant.
Coding change: c.680T>A on transcript NM_006922.4 (MANE Select); coding-DNA position 680, T replaced by A.
Protein change: p.Ile227Asn; replaces isoleucine 227 with asparagine.
Molecular consequence: missense variant. On other transcripts: intron variant (1).
Genome position (GRCh38, 1-based): chr2:165,163,632, A>T on the plus strand (T>A on the coding strand, the complement: SCN3A is on the minus strand). VCF-style: chr2-165163632-A-T. GRCh37 (hg19) VCF-style: chr2-166020142-A-T.
Other names: c.680T>A, p.Ile227Asn (NM_001081676.2); c.694+170T>A (NM_001081677.2); short protein forms I227N.
Identifiers: ClinVar variation 2700179 (VCV002700179.3), dbSNP rs2468485661, ClinGen allele CA349239493.

ClinVar aggregate classification (germline): Uncertain significance (1 of 4 stars; one submission).

Submission:

Labcorp Genetics (formerly Invitae), Labcorp
Classification: Uncertain significance. Last evaluated: 2023-12-09. Review status: criteria provided, single submitter. Criteria: Invitae Variant Classification Sherloc (09022015). Collection method: clinical testing. Allele origin: germline.
Comment: This sequence change replaces isoleucine, which is neutral and non-polar, with asparagine, which is neutral and polar, at codon 227 of the SCN3A protein (p.Ile227Asn). This variant is not present in population databases (gnomAD no frequency). This variant has not been reported in the literature in individuals affected with SCN3A-related conditions. Advanced modeling of protein sequence and biophysical properties (such as structural, functional, and spatial information, amino acid conservation, physicochemical variation, residue mobility, and thermodynamic stability) has been performed at Invitae for this missense variant, however the output from this modeling did not meet the statistical confidence thresholds required to predict the impact of this variant on SCN3A protein function. In summary, the available evidence is currently insufficient to determine the role of this variant in disease. Therefore, it has been classified as a Variant of Uncertain Significance.